The following is an entry in ClinVar:

NM_001853.4(COL9A3):c.1264C>T (p.Leu422Phe)

Gene: COL9A3 (collagen type IX alpha 3 chain; plus strand). Cytogenetic location: 20q13.33.
Variant type: single nucleotide variant.
Coding change: c.1264C>T on transcript NM_001853.4 (MANE Select); coding-DNA position 1264, C replaced by T.
Protein change: p.Leu422Phe; replaces leucine 422 with phenylalanine.
Molecular consequence: missense variant.
Genome position (GRCh38, 1-based): chr20:62,830,565, C>T. VCF-style: chr20-62830565-C-T. GRCh37 (hg19) VCF-style: chr20-61461917-C-T.
Other names: short protein forms L422F.
Identifiers: ClinVar variation 3637724 (VCV003637724.2).

ClinVar aggregate classification (germline): Uncertain significance (1 of 4 stars; one submission).

Submission:

Labcorp Genetics (formerly Invitae), Labcorp
Classification: Uncertain significance. Last evaluated: 2024-06-22. Review status: criteria provided, single submitter. Criteria: Invitae Variant Classification Sherloc (09022015). Collection method: clinical testing. Allele origin: germline.
Comment: This sequence change replaces leucine, which is neutral and non-polar, with phenylalanine, which is neutral and non-polar, at codon 422 of the COL9A3 protein (p.Leu422Phe). This variant is not present in population databases (gnomAD no frequency). This variant has not been reported in the literature in individuals affected with COL9A3-related conditions. Advanced modeling of protein sequence and biophysical properties (such as structural, functional, and spatial information, amino acid conservation, physicochemical variation, residue mobility, and thermodynamic stability) performed at Invitae indicates that this missense variant is not expected to disrupt COL9A3 protein function with a negative predictive value of 95%. In summary, the available evidence is currently insufficient to determine the role of this variant in disease. Therefore, it has been classified as a Variant of Uncertain Significance.